The following is an entry in ClinVar:

NM_015474.4(SAMHD1):c.1444_1453del (p.Ser482fs)

Gene: SAMHD1 (SAM and HD domain containing deoxynucleoside triphosphate triphosphohydrolase 1; minus strand). Cytogenetic location: 20q11.23.
Variant type: Deletion.
Coding change: c.1444_1453del on transcript NM_015474.4 (MANE Select); coding-DNA positions 1444 to 1453, 10 bases deleted (AGTGCTAAAC; older notation c.1444_1453delAGTGCTAAAC).
Protein change: p.Ser482fs; shifts the reading frame from serine 482.
Molecular consequence: frameshift variant.
Genome position (GRCh38, 1-based): chr20:36,904,207-36,904,216, GTTTAGCACT deleted on the plus strand (AGTGCTAAAC on the coding strand, the reverse complement: SAMHD1 is on the minus strand); deleting any 10 consecutive bases within chr20:36,904,207-36,904,217 gives the same sequence; the c. name uses the placement nearest the transcript's 3' end. VCF-style (leftmost placement, unchanged base first): chr20-36904206-GGTTTAGCACT-G. GRCh37 (hg19) VCF-style: chr20-35532609-GGTTTAGCACT-G.
Other names: c.1444_1453del, p.Ser482fs (NM_001363729.2, NM_001363733.2); short protein forms S482fs.
Identifiers: ClinVar variation 1455381 (VCV001455381.6), dbSNP rs2148359722, ClinGen allele CA2573157046.

ClinVar aggregate classification (germline): Pathogenic (1 of 4 stars; one submission).

Conditions:
Aicardi-Goutieres syndrome 5. Identifiers: Orphanet 51, MedGen C2749659, MONDO:0013059, OMIM 612952.

Submission:

Labcorp Genetics (formerly Invitae), Labcorp
Classification: Pathogenic for Aicardi-Goutieres syndrome 5. Last evaluated: 2020-12-24. Review status: criteria provided, single submitter. Criteria: Invitae Variant Classification Sherloc (09022015). Collection method: clinical testing. Allele origin: germline.
Comment: For these reasons, this variant has been classified as Pathogenic. This variant has not been reported in the literature in individuals with SAMHD1-related conditions. This variant is not present in population databases (ExAC no frequency). This sequence change creates a premature translational stop signal (p.Ser482Profs*5) in the SAMHD1 gene. It is expected to result in an absent or disrupted protein product. Loss-of-function variants in SAMHD1 are known to be pathogenic (PMID: 19525956, 22461318).

Literature cited by the submitters: PubMed 19525956; PubMed 22461318.